The following is an entry in ClinVar:

ClinVar aggregate classification (germline): Likely benign (0 of 4 stars; one submission).

Conditions:
RTTN-related disorder. Also called: RTTN-related condition.

Allele frequency attached by ClinVar (database versions not stated): TOPMed 0.00002.
gnomAD v4.1: 4 of 1,613,700 alleles (0.00025%); highest among the groups gnomAD compares: African/African-American, 0.0027%; no homozygotes.

Submission:

PreventionGenetics, part of Exact Sciences
Classification: Likely benign for RTTN-related condition. Last evaluated: 2022-04-27. Review status: no assertion criteria provided. Collection method: clinical testing. Allele origin: germline.
Comment: This variant is classified as likely benign based on ACMG/AMP sequence variant interpretation guidelines (Richards et al. 2015 PMID: 25741868, with internal and published modifications).

NM_173630.4(RTTN):c.4989C>T (p.Ala1663=)

Gene: RTTN (rotatin; minus strand). Cytogenetic location: 18q22.2.
Variant type: single nucleotide variant.
Coding change: c.4989C>T on transcript NM_173630.4 (MANE Select); coding-DNA position 4989, C replaced by T.
Protein change: p.Ala1663=; no amino-acid change (alanine 1663 retained).
Molecular consequence: synonymous variant.
Genome position (GRCh38, 1-based): chr18:70,057,784, G>A on the plus strand (C>T on the coding strand, the complement: RTTN is on the minus strand). VCF-style: chr18-70057784-G-A. GRCh37 (hg19) VCF-style: chr18-67725020-G-A.
Other names: c.2253C>T, p.Ala751= (NM_001318520.2).
Identifiers: ClinVar variation 3029295 (VCV003029295.2), dbSNP rs1454423080, ClinGen allele CA504322244.
Genomic context (GRCh38, chr18:70,057,784, plus strand): 5'-CAGACTTGAGATGCTTACCTGAGCCTGAGTGTGTTCAGCTGGAGGTGATGAAGGCAGCAG[G>A]GCTCTGAGTTCCTGGACACATGTCTGTATGAGGGTAGCATCTGCAATGCTGTGACGATCA-3'
Protein context (NP_775901.3, residues 1653-1673): LIQTCVQELR[Ala1663=]LLPSSPPAEH